The following is an entry in ClinVar:

NM_001018113.3(FANCB):c.2477C>A (p.Thr826Lys)

Gene: FANCB (FA complementation group B; minus strand). Cytogenetic location: Xp22.2.
Variant type: single nucleotide variant.
Coding change: c.2477C>A on transcript NM_001018113.3 (MANE Select); coding-DNA position 2477, C replaced by A.
Protein change: p.Thr826Lys; replaces threonine 826 with lysine.
Molecular consequence: missense variant.
Genome position (GRCh38, 1-based): chrX:14,843,670, G>T on the plus strand (C>A on the coding strand, the complement: FANCB is on the minus strand). VCF-style: chrX-14843670-G-T. GRCh37 (hg19) VCF-style: chrX-14861792-G-T.
Other names: c.2477C>A, p.Thr826Lys (NM_001324162.2, NM_152633.4); short protein forms T826K.
Identifiers: ClinVar variation 1413784 (VCV001413784.8), dbSNP rs201436396, ClinGen allele CA412437174.

ClinVar aggregate classification (germline): Uncertain significance (1 of 4 stars; one submission).

Conditions:
Fanconi anemia (FA). Also called: Fanconi's anemia. Identifiers: Orphanet 84, MedGen C0015625, MeSH D005199, MONDO:0019391.

Submission:

Labcorp Genetics (formerly Invitae), Labcorp
Classification: Uncertain significance for Fanconi anemia. Last evaluated: 2021-04-08. Review status: criteria provided, single submitter. Criteria: Invitae Variant Classification Sherloc (09022015). Collection method: clinical testing. Allele origin: germline.
Comment: This variant has not been reported in the literature in individuals with FANCB-related conditions. This variant is not present in population databases (ExAC no frequency). This sequence change replaces threonine with lysine at codon 826 of the FANCB protein (p.Thr826Lys). The threonine residue is weakly conserved and there is a moderate physicochemical difference between threonine and lysine. In summary, the available evidence is currently insufficient to determine the role of this variant in disease. Therefore, it has been classified as a Variant of Uncertain Significance. Algorithms developed to predict the effect of missense changes on protein structure and function are either unavailable or do not agree on the potential impact of this missense change (SIFT: "Deleterious"; PolyPhen-2: "Benign"; Align-GVGD: "Class C0").